The following is an entry in ClinVar:

ClinVar aggregate classification (germline): Pathogenic/Likely pathogenic. Review status: criteria provided, multiple submitters, no conflicts (2 of 4 stars). 3 submissions from 3 submitters: Pathogenic (2); Likely pathogenic (1). Last evaluated 2025-07-24.

Conditions:
Primary familial dilated cardiomyopathy (FDC). Also called: Hypokinetic dilated cardiomyopathy, familial; Familial dilated cardiomyopathy. Identifiers: Orphanet 217607, MedGen C0340427, MONDO:0016333.
Dilated cardiomyopathy 1G (CMD1G). Identifiers: Orphanet 154, MedGen C1858763, MONDO:0011400, OMIM 604145.
Autosomal recessive limb-girdle muscular dystrophy type 2J (LGMDR10). Also called: Limb-girdle muscular dystrophy, type 2J; MUSCULAR DYSTROPHY, LIMB-GIRDLE, AUTOSOMAL RECESSIVE 10. Identifiers: Orphanet 140922, MedGen C1837342, MONDO:0012127, OMIM 608807.

Submissions (3):

Women's Health and Genetics/Laboratory Corporation of America, LabCorp
Classification: Likely pathogenic for Primary familial dilated cardiomyopathy. Last evaluated: 2025-07-24. Review status: criteria provided, single submitter. Criteria: LabCorp Variant Classification Summary - May 2015. Collection method: clinical testing. Allele origin: germline.
Comment: Variant summary: TTN c.55306G>T (p.Glu18436X; also known as NM_001267550: c.63010G>T, p.Glu21004X) results in a premature termination codon, predicted to cause a truncation of the encoded protein or absence of the protein due to nonsense mediated decay, which are commonly known mechanisms for disease. Loss of function variants in all TTN bands are strongly associated with a spectrum of autosomal recessive titinopathies when exon expression (proportion spliced in, PSI, 1=complete expression) in skeletal muscle is >0.1 (PMID: 36977548, 39198997, 29598826, 32778822, 29691892, 33449170, 36977548, internal data). In contrast, loss of function variants in all TTN bands are only strongly associated with autosomal dominant TTN-related cardiomyopathies if located in exons constitutively expressed (PSI >0.9) in cardiac muscle, excluding extreme C-terminal exons 359-363 (PMID: 25589632, 31216868, 32964742, 34662387, 27869827, Shetty et al., Nat Cardiovasc Res 2024,, internal data). This variant has a maximum skeletal muscle PSI of 0.963 and a maximum cardiac muscle PSI of 1.000. The variant was absent in 248646 control chromosomes. c.55306G>T has been observed in individuals affected with Dilated Cardiomyopathy (example: Anderson_2020, internal data). To our knowledge, no experimental evidence demonstrating an impact on protein function has been reported. The following publication has been ascertained in the context of this evaluation (PMID: 32998006). ClinVar contains an entry for this variant (Variation ID: 936945). Based on the evidence outlined above, the variant was classified as likely pathogenic for both autosomal dominant and autosomal recessive TTN-related conditions.

Labcorp Genetics (formerly Invitae), Labcorp
Classification: Pathogenic for Dilated cardiomyopathy 1G; Autosomal recessive limb-girdle muscular dystrophy type 2J. Last evaluated: 2023-08-24. Review status: criteria provided, single submitter. Criteria: Invitae Variant Classification Sherloc (09022015). Collection method: clinical testing. Allele origin: germline.
Comment: For these reasons, this variant has been classified as Pathogenic. This variant is located in the A band of TTN (PMID: 25589632). Truncating variants in this region are significantly overrepresented in patients affected with dilated cardiomyopathy (PMID: 25589632). Truncating variants in this region have also been reported in individuals affected with autosomal recessive centronuclear myopathy (PMID: 23975875). ClinVar contains an entry for this variant (Variation ID: 936945). This premature translational stop signal has been observed in individuals with dilated cardiomyopathy (PMID: 32998006; Invitae). This variant is not present in population databases (gnomAD no frequency). This sequence change creates a premature translational stop signal (p.Glu21004*) in the TTN gene. While this is not anticipated to result in nonsense mediated decay, it is expected to create a truncated TTN protein.

GeneDx
Classification: Pathogenic. Last evaluated: 2019-03-29. Review status: criteria provided, single submitter. Criteria: GeneDx Variant Classification Process June 2021. Collection method: clinical testing. Allele origin: germline. Affected: yes.
Comment: Has not been previously published as pathogenic or benign to our knowledge; Not observed in large population cohorts (Lek et al., 2016); Nonsense variant predicted to result in protein truncation or nonsense mediated decay in a gene for which loss-of-function is a known mechanism of disease; Located in the A-band region of titin, where the majority of truncating pathogenic variants associated with DCM have been reported (Herman et al., 2012).

Literature cited by the submitters: PubMed 32998006 (cited by Women's Health and Genetics/Laboratory Corporation of America, LabCorp and Labcorp Genetics (formerly Invitae), Labcorp); PubMed 25589632 (cited by Labcorp Genetics (formerly Invitae), Labcorp); PubMed 23975875 (cited by Labcorp Genetics (formerly Invitae), Labcorp).

NM_001267550.2(TTN):c.63010G>T (p.Glu21004Ter)

Genes: TTN (titin; minus strand), TTN-AS1 (TTN antisense RNA 1; plus strand). Cytogenetic location: 2q31.2.
Variant type: single nucleotide variant.
Coding change: c.63010G>T on transcript NM_001267550.2 (MANE Select); coding-DNA position 63010, G replaced by T.
Protein change: p.Glu21004Ter; replaces glutamic acid 21004 with a stop codon.
Molecular consequence: nonsense.
Genome position (GRCh38, 1-based): chr2:178,588,715, C>A on the plus strand (G>T on the coding strand, the complement: TTN is on the minus strand). VCF-style: chr2-178588715-C-A. GRCh37 (hg19) VCF-style: chr2-179453442-C-A.
Other names: c.58087G>T, p.Glu19363Ter (NM_001256850.1); c.35815G>T, p.Glu11939Ter (NM_003319.4); c.55306G>T, p.Glu18436Ter (NM_133378.4); c.36190G>T, p.Glu12064Ter (NM_133432.3); c.36391G>T, p.Glu12131Ter (NM_133437.4); short protein forms E11939*, E18436*, E19363*, E12064*, E12131*, E21004*.
Identifiers: ClinVar variation 936945 (VCV000936945.16), dbSNP rs769345390, ClinGen allele CA349457946.